The following is an entry in ClinVar:

NM_032043.3(BRIP1):c.2098-16del

Gene: BRIP1 (BRCA1 interacting DNA helicase 1; minus strand). Cytogenetic location: 17q23.2.
Variant type: Deletion.
Coding change: c.2098-16del on transcript NM_032043.3 (MANE Select); 16 bases into the intron before coding-DNA position 2098, one base deleted (T; older notation c.2098-16delT).
Molecular consequence: intron variant.
Genome position (GRCh38, 1-based): chr17:61,744,607, A deleted on the plus strand (T on the coding strand, the reverse complement: BRIP1 is on the minus strand); the first of 7 consecutive A bases (chr17:61,744,607-61,744,613); deleting any one gives the same sequence. VCF-style (leftmost placement, unchanged base first): chr17-61744606-GA-G. GRCh37 (hg19) VCF-style: chr17-59821967-GA-G.
Identifiers: ClinVar variation 920191 (VCV000920191.13), dbSNP rs1064793669, ClinGen allele CA626801938.

ClinVar aggregate classification (germline): Benign/Likely benign. Review status: criteria provided, multiple submitters, no conflicts (2 of 4 stars). 4 submissions from 4 submitters: Benign (2); Likely benign (2). Last evaluated 2026-02-02.

Conditions:
Hereditary cancer-predisposing syndrome. Also called: Tumor predisposition; Neoplastic Syndromes, Hereditary; Hereditary neoplastic syndrome; Hereditary Cancer Syndrome. Identifiers: Orphanet 140162, MedGen C0027672, MeSH D009386, MONDO:0015356.
Familial cancer of breast. Also called: Hereditary breast cancer; BREAST CANCER, FAMILIAL; hereditary breast carcinoma. Identifiers: Orphanet 227535, MedGen C0346153, MONDO:0016419, OMIM 114480. Disease mechanism: loss of function.
Fanconi anemia complementation group J. Also called: BRIP1-Related Fanconi Anemia. Identifiers: Orphanet 84, MedGen C1836860, MONDO:0012187, OMIM 609054.

Submissions (4):

Labcorp Genetics (formerly Invitae), Labcorp
Classification: Benign for Familial cancer of breast; Fanconi anemia complementation group J. Last evaluated: 2026-02-02. Review status: criteria provided, single submitter. Criteria: Invitae Variant Classification Sherloc (09022015). Collection method: clinical testing. Allele origin: germline.

Myriad Genetics, Inc.
Classification: Benign for Familial cancer of breast. Last evaluated: 2024-09-03. Review status: criteria provided, single submitter. Criteria: Myriad Autosomal Dominant, Autosomal Recessive and X-Linked Classification Criteria (2023). Collection method: clinical testing. Allele origin: unknown.
Comment: This variant is considered benign. This variant is intronic and is not expected to impact mRNA splicing.

Blueprint Genetics
Classification: Likely benign. Last evaluated: 2021-11-10. Review status: criteria provided, single submitter. Criteria: ACMG Guidelines, 2015. Collection method: clinical testing. Allele origin: germline.

Color Diagnostics, LLC DBA Color Health
Classification: Likely benign for Hereditary cancer-predisposing syndrome. Last evaluated: 2020-02-04. Review status: criteria provided, single submitter. Criteria: ACMG Guidelines, 2015. Collection method: clinical testing. Allele origin: germline.